The following is an entry in ClinVar:

ClinVar aggregate classification (germline): Uncertain significance (1 of 4 stars; one submission).

Conditions:
Cardiovascular phenotype. Identifiers: MedGen CN230736.

Allele frequency attached by ClinVar (database versions not stated): gnomAD exomes below 0.00001; ExAC 0.00001; gnomAD 0.00001; ESP Exome Variant Server 0.00008.
gnomAD v4.1: 3 of 1,613,974 alleles (0.00019%); highest among the groups gnomAD compares: African/African-American, 0.004%; no homozygotes.

Submission:

Ambry Genetics
Classification: Uncertain significance for Cardiovascular phenotype. Last evaluated: 2024-05-05. Review status: criteria provided, single submitter. Criteria: Ambry Variant Classification Scheme 2023. Collection method: clinical testing. Allele origin: germline.
Comment: The p.A117V variant (also known as c.350C>T), located in coding exon 1 of the KCNE2 gene, results from a C to T substitution at nucleotide position 350. The alanine at codon 117 is replaced by valine, an amino acid with similar properties. This amino acid position is conserved. In addition, this alteration is predicted to be tolerated by in silico analysis. Since supporting evidence is limited at this time, the clinical significance of this alteration remains unclear.

NM_172201.2(KCNE2):c.350C>T (p.Ala117Val)

Genes: KCNE2 (potassium voltage-gated channel subfamily E regulatory subunit 2; plus strand), LOC105372791 (uncharacterized LOC105372791; minus strand). Cytogenetic location: 21q22.11.
Variant type: single nucleotide variant.
Coding change: c.350C>T on transcript NM_172201.2 (MANE Select); coding-DNA position 350, C replaced by T.
Protein change: p.Ala117Val; replaces alanine 117 with valine.
Molecular consequence: missense variant.
Genome position (GRCh38, 1-based): chr21:34,370,828, C>T. VCF-style: chr21-34370828-C-T. GRCh37 (hg19) VCF-style: chr21-35743127-C-T.
Other names: short protein forms A117V.
Identifiers: ClinVar variation 1732143 (VCV001732143.3), dbSNP rs376886316, ClinGen allele CA10013446.